The following is an entry in ClinVar:

NM_003491.4(NAA10):c.554A>G (p.Asn185Ser)

Gene: NAA10 (N-alpha-acetyltransferase 10, NatA catalytic subunit; minus strand). Cytogenetic location: Xq28.
Variant type: single nucleotide variant.
Coding change: c.554A>G on transcript NM_003491.4 (MANE Select); coding-DNA position 554, A replaced by G.
Protein change: p.Asn185Ser; replaces asparagine 185 with serine.
Molecular consequence: missense variant.
Genome position (GRCh38, 1-based): chrX:153,930,141, T>C on the plus strand (A>G on the coding strand, the complement: NAA10 is on the minus strand). VCF-style: chrX-153930141-T-C. GRCh37 (hg19) VCF-style: chrX-153195594-T-C.
Other names: c.509A>G, p.Asn170Ser (NM_001256119.2); c.536A>G, p.Asn179Ser (NM_001256120.2); short protein forms N170S, N179S, N185S.
Identifiers: ClinVar variation 4823589 (VCV004823589.4).
Genomic context (GRCh38, chrX:153,930,141, plus strand): 5'-CTATCCTCGGCAGCCAGGCCCTTCTCCTCGCGACAGGCCTCTCCTGAGCTCGGAGGTGAA[T>C]TGCCTTTGCTCTCCACCTTGTTCTCGATGGCACCCAGCACCACGTGCCTGCCCTTCTCTT-3'
Protein context (NP_003482.1, residues 175-195): AIENKVESKG[Asn185Ser]SPPSSGEACR

ClinVar aggregate classification (germline): Likely benign (1 of 4 stars; one submission).

gnomAD v4.1: 4 of 1,210,708 alleles (0.00033%); highest among the groups gnomAD compares: Admixed American, 0.0044%; no homozygotes.

Submission:

CeGaT Center for Human Genetics Tuebingen
Classification: Likely benign. Last evaluated: 2026-03-01. Review status: criteria provided, single submitter. Criteria: CeGaT Center For Human Genetics Tuebingen Variant Classification Criteria Version 2. Collection method: clinical testing. Allele origin: germline. Affected: yes. Observed: 1 variant allele.
Comment: NAA10: BP4, BS2